The following is an entry in ClinVar:

ClinVar aggregate classification (germline): Uncertain significance. Review status: criteria provided, single submitter (1 of 4 stars). 2 submissions from 2 submitters: Uncertain significance (1). 1 of the submissions does not count toward it. Last evaluated 2022-02-03.

Conditions:
Mucolipidosis type IV (ML4). Also called: ML IV. Identifiers: Orphanet 578, MedGen C0238286, MONDO:0009653, OMIM 252650.

Allele frequency attached by ClinVar (database versions not stated): gnomAD exomes 0.00001 and 0.00002; TOPMed 0.00001; ExAC 0.00002; gnomAD 0.00002.
gnomAD v4.1: 27 of 1,613,984 alleles (0.0017%); highest among the groups gnomAD compares: Non-Finnish European, 0.0021%; no homozygotes.

Submissions (2):

Labcorp Genetics (formerly Invitae), Labcorp
Classification: Uncertain significance for Mucolipidosis type IV. Last evaluated: 2022-02-03. Review status: criteria provided, single submitter. Criteria: Invitae Variant Classification Sherloc (09022015). Collection method: clinical testing. Allele origin: germline.
Comment: This sequence change replaces aspartic acid, which is acidic and polar, with asparagine, which is neutral and polar, at codon 180 of the MCOLN1 protein (p.Asp180Asn). This variant is present in population databases (rs777233353, gnomAD 0.007%). This variant has not been reported in the literature in individuals affected with MCOLN1-related conditions. ClinVar contains an entry for this variant (Variation ID: 1062418). Algorithms developed to predict the effect of missense changes on protein structure and function are either unavailable or do not agree on the potential impact of this missense change (SIFT: "Tolerated"; PolyPhen-2: "Possibly Damaging"; Align-GVGD: "Class C0"). In summary, the available evidence is currently insufficient to determine the role of this variant in disease. Therefore, it has been classified as a Variant of Uncertain Significance.

Natera, Inc.
Classification: Uncertain significance for Mucolipidosis type IV. Last evaluated: 2019-07-24. Review status: no assertion criteria provided. Collection method: clinical testing. Allele origin: germline. Not counted in ClinVar's aggregate classification.

NM_020533.3(MCOLN1):c.538G>A (p.Asp180Asn)

Gene: MCOLN1 (mucolipin TRP cation channel 1; plus strand). Cytogenetic location: 19p13.2.
Variant type: single nucleotide variant.
Coding change: c.538G>A on transcript NM_020533.3 (MANE Select); coding-DNA position 538, G replaced by A.
Protein change: p.Asp180Asn; replaces aspartic acid 180 with asparagine.
Molecular consequence: missense variant.
Genome position (GRCh38, 1-based): chr19:7,526,893, G>A. VCF-style: chr19-7526893-G-A. GRCh37 (hg19) VCF-style: chr19-7591779-G-A.
Other names: short protein forms D180N.
Identifiers: ClinVar variation 1062418 (VCV001062418.6), dbSNP rs777233353, ClinGen allele CA9138757.